The following is an entry in ClinVar:

ClinVar aggregate classification (germline): Likely benign. Review status: criteria provided, multiple submitters, no conflicts (2 of 4 stars). 4 submissions from 4 submitters: Likely benign (4). Last evaluated 2025-02-18.

Conditions:
RYR1-related disorder. Also called: RYR1-related condition; RYR1-related disorders. Identifiers: MedGen CN239331.
Malignant hyperthermia, susceptibility to, 1 (MHS1). Also called: Anesthesia related hyperthermia; Malignant hyperpyrexia; Fulminating hyperpyrexia; Pharmacogenic myopathy; RYR1-Related Malignant Hyperthermia Susceptibility; Malignant hyperthermia suceptibility 1. Identifiers: Orphanet 423, MedGen C2930980, MONDO:0007783, OMIM 145600.

Allele frequency attached by ClinVar (database versions not stated): gnomAD exomes below 0.00001; ExAC 0.00001.
gnomAD v4.1: 2 of 1,614,088 alleles (0.00012%); highest among the groups gnomAD compares: East Asian, 0.0022%; no homozygotes.

Submissions (4):

Women's Health and Genetics/Laboratory Corporation of America, LabCorp
Classification: Likely benign. Last evaluated: 2025-02-18. Review status: criteria provided, single submitter. Criteria: LabCorp Variant Classification Summary - May 2015. Collection method: clinical testing. Allele origin: germline.

Labcorp Genetics (formerly Invitae), Labcorp
Classification: Likely benign for RYR1-related disorder. Last evaluated: 2024-10-26. Review status: criteria provided, single submitter. Criteria: Invitae Variant Classification Sherloc (09022015). Collection method: clinical testing. Allele origin: germline.

All of Us Research Program, National Institutes of Health
Classification: Likely benign for Malignant hyperthermia, susceptibility to, 1. Last evaluated: 2023-12-13. Review status: criteria provided, single submitter. Criteria: ACMG Guidelines, 2015. Collection method: clinical testing. Allele origin: germline. Inheritance: Autosomal dominant inheritance. Observed: 3 variant alleles, 3 heterozygotes.
Comment: This study involves interpretation of variants in research participants for the purpose of population health screening. Participant phenotype was not available at the time of variant classification. Additional details can be found in publication PMID: 35346344, PMCID: PMC8962531

Color Diagnostics, LLC DBA Color Health
Classification: Likely benign for Malignant hyperthermia, susceptibility to, 1. Last evaluated: 2023-09-27. Review status: criteria provided, single submitter. Criteria: ACMG Guidelines, 2015. Collection method: clinical testing. Allele origin: germline.

NM_000540.3(RYR1):c.1459C>T (p.Leu487=)

Genes: RYR1 (ryanodine receptor 1; plus strand), LOC129391106 (MPRA-validated peak3472 silencer; plus strand). Cytogenetic location: 19q13.2.
Variant type: single nucleotide variant.
Coding change: c.1459C>T on transcript NM_000540.3 (MANE Select); coding-DNA position 1459, C replaced by T.
Protein change: p.Leu487=; no amino-acid change (leucine 487 retained).
Molecular consequence: synonymous variant.
Genome position (GRCh38, 1-based): chr19:38,455,253, C>T. VCF-style: chr19-38455253-C-T. GRCh37 (hg19) VCF-style: chr19-38945893-C-T.
Other names: c.1459C>T, p.Leu487= (NM_001042723.2).
Identifiers: ClinVar variation 1139622 (VCV001139622.11), dbSNP rs780898260, ClinGen allele CA061431.